The following is an entry in ClinVar:

ClinVar aggregate classification (germline): Pathogenic (1 of 4 stars; one submission).

Allele frequency attached by ClinVar (database versions not stated): gnomAD 0.00001.
gnomAD v4.1: 4 of 1,600,400 alleles (0.00025%); highest among the groups gnomAD compares: East Asian, 0.0023%; no homozygotes.

Submission:

Labcorp Genetics (formerly Invitae), Labcorp
Classification: Pathogenic. Last evaluated: 2023-11-17. Review status: criteria provided, single submitter. Criteria: Invitae Variant Classification Sherloc (09022015). Collection method: clinical testing. Allele origin: germline.
Comment: This sequence change creates a premature translational stop signal (p.Arg119*) in the CWC27 gene. It is expected to result in an absent or disrupted protein product. Loss-of-function variants in CWC27 are known to be pathogenic (PMID: 28285769). This variant is not present in population databases (gnomAD no frequency). This premature translational stop signal has been observed in individual(s) with CWC27-related conditions (PMID: 31481716). For these reasons, this variant has been classified as Pathogenic.

Literature cited by the submitters: PubMed 28285769; PubMed 31481716.

NM_005869.4(CWC27):c.355C>T (p.Arg119Ter)

Gene: CWC27 (CWC27 spliceosome associated cyclophilin; plus strand). Cytogenetic location: 5q12.3.
Variant type: single nucleotide variant.
Coding change: c.355C>T on transcript NM_005869.4 (MANE Select); coding-DNA position 355, C replaced by T.
Protein change: p.Arg119Ter; replaces arginine 119 with a stop codon.
Molecular consequence: nonsense.
Genome position (GRCh38, 1-based): chr5:64,783,938, C>T. VCF-style: chr5-64783938-C-T. GRCh37 (hg19) VCF-style: chr5-64079765-C-T.
Other names: c.355C>T, p.Arg119Ter (NM_001297644.1, NM_001297645.2, NM_001318000.2 and 1 more transcripts); short protein forms R119*.
Identifiers: ClinVar variation 2971458 (VCV002971458.3), dbSNP rs1186944777, ClinGen allele CA359844225.
Genomic context (GRCh38, chr5:64,783,938, plus strand): 5'-GTTGCCATGGCAAATGCTGGTTCTCATGATAATGGCAGCCAGTTTTTCTTCACACTGGGT[C>T]GAGCAGATGAACTTAACAATAAGCATACCATCTTTGGAAAGGTTAGTGTCCAGTGATTTT-3'